The following is an entry in ClinVar:

NM_001909.5(CTSD):c.908_916del (p.Gly303_Val305del)

Gene: CTSD (cathepsin D; minus strand). Cytogenetic location: 11p15.5.
Variant type: Deletion.
Coding change: c.908_916del on transcript NM_001909.5 (MANE Select); coding-DNA positions 908 to 916, 9 bases deleted (GCCCGGTGG; older notation c.908_916delGCCCGGTGG).
Protein change: p.Gly303_Val305del.
Molecular consequence: inframe deletion.
Genome position (GRCh38, 1-based): chr11:1,754,050-1,754,058, CCACCGGGC deleted on the plus strand (GCCCGGTGG on the coding strand, the reverse complement: CTSD is on the minus strand); deleting any 9 consecutive bases within chr11:1,754,050-1,754,063 gives the same sequence; the c. name uses the placement nearest the transcript's 3' end. VCF-style (leftmost placement, unchanged base first): chr11-1754049-TCCACCGGGC-T. GRCh37 (hg19) VCF-style: chr11-1775279-TCCACCGGGC-T.
Identifiers: ClinVar variation 2110823 (VCV002110823.4), dbSNP rs2493816962, ClinGen allele CA2580082672.

ClinVar aggregate classification (germline): Uncertain significance (1 of 4 stars; one submission).

Conditions:
Neuronal ceroid lipofuscinosis. Also called: Neuronal Ceroid Lipofuscinoses. Identifiers: Orphanet 216, Orphanet 79263, MedGen C0027877, MONDO:0016295. Disease mechanism: loss of function.

Submission:

Labcorp Genetics (formerly Invitae), Labcorp
Classification: Uncertain significance for Neuronal ceroid lipofuscinosis. Last evaluated: 2022-04-26. Review status: criteria provided, single submitter. Criteria: Invitae Variant Classification Sherloc (09022015). Collection method: clinical testing. Allele origin: germline.
Comment: In summary, the available evidence is currently insufficient to determine the role of this variant in disease. Therefore, it has been classified as a Variant of Uncertain Significance. Experimental studies and prediction algorithms are not available or were not evaluated, and the functional significance of this variant is currently unknown. This variant has not been reported in the literature in individuals affected with CTSD-related conditions. This variant is not present in population databases (gnomAD no frequency). This variant, c.908_916del, results in the deletion of 3 amino acid(s) of the CTSD protein (p.Gly303_Val305del), but otherwise preserves the integrity of the reading frame.